The following is an entry in ClinVar:

NM_004990.4(MARS1):c.2570G>A (p.Arg857Gln)

Gene: MARS1 (methionyl-tRNA synthetase 1; plus strand). Cytogenetic location: 12q13.3.
Variant type: single nucleotide variant.
Coding change: c.2570G>A on transcript NM_004990.4 (MANE Select); coding-DNA position 2570, G replaced by A.
Protein change: p.Arg857Gln; replaces arginine 857 with glutamine.
Molecular consequence: missense variant.
Genome position (GRCh38, 1-based): chr12:57,516,448, G>A. VCF-style: chr12-57516448-G-A. GRCh37 (hg19) VCF-style: chr12-57910231-G-A.
Other names: p.Arg857Gln; short protein forms R857Q.
Identifiers: ClinVar variation 393235 (VCV000393235.3), dbSNP rs1057524849, ClinGen allele CA16606356.

ClinVar aggregate classification (germline): Uncertain significance. Review status: criteria provided, multiple submitters, no conflicts (2 of 4 stars). 2 submissions from 2 submitters: Uncertain significance (2). Last evaluated 2023-11-27.

Allele frequency attached by ClinVar (database versions not stated): gnomAD exomes below 0.00001; gnomAD 0.00003.
gnomAD v4.1: 3 of 1,613,084 alleles (0.00019%); highest among the groups gnomAD compares: African/African-American, 0.0013%; no homozygotes.

Submissions (2):

Mayo Clinic Laboratories, Mayo Clinic
Classification: Uncertain significance. Last evaluated: 2023-11-27. Review status: criteria provided, single submitter. Criteria: ACMG Guidelines, 2015. Collection method: clinical testing. Allele origin: germline. Observed: 1 variant allele.

GeneDx
Classification: Uncertain significance. Last evaluated: 2018-10-11. Review status: criteria provided, single submitter. Criteria: GeneDx Variant Classification (06012015). Collection method: clinical testing. Allele origin: germline. Affected: yes.
Comment: The R857Q variant has not been published as a pathogenic variant, nor has it been reported as a benign variant to our knowledge. The R857Q variant is not observed in large population cohorts (Lek et al., 2016; 1000 Genomes Consortium et al., 2015; Exome Variant Server). The R857Q variant is a semi-conservative amino acid substitution, which may impact secondary protein structure as these residues differ in some properties. This substitution occurs at a position that is conserved across species. In silico analysis predicts this variant is probably damaging to the protein structure/function. In summary, based on the currently available information, it is unclear whether this variant is a pathogenic variant or a rare benign variant.